The following is an entry in ClinVar:

ClinVar aggregate classification (germline): Uncertain significance. Review status: criteria provided, multiple submitters, no conflicts (2 of 4 stars). 6 submissions from 5 submitters: Uncertain significance (6). Last evaluated 2026-03-28.

Conditions:
Inborn genetic diseases. Identifiers: MedGen C0950123, MeSH D030342.
SPATA7-related disorder. Also called: SPATA7-related disorders; SPATA7-related condition. Identifiers: MedGen CN239422.
Leber congenital amaurosis 3 (LCA3). Also called: SPATA7-Related Retinitis Pigmentosa. Identifiers: MedGen C1858677, MONDO:0011415, OMIM 604232.
Retinitis pigmentosa (RP). Identifiers: Orphanet 791, MedGen C0035334, MeSH D012174, MONDO:0019200, OMIM 268000. Inheritance: Autosomal dominant, autosomal recessive and X linked inheritance.

Allele frequency attached by ClinVar (database versions not stated): gnomAD exomes 0.00002 and 0.00003; ExAC 0.00005; ESP Exome Variant Server 0.00008; gnomAD 0.00017; TOPMed 0.00019.
gnomAD v4.1: 59 of 1,613,962 alleles (0.0037%); highest among the groups gnomAD compares: Non-Finnish European, 0.0031%; 2 homozygotes.

Submissions (6):

PreventionGenetics, part of Exact Sciences
Classification: Uncertain significance for SPATA7-related condition. Last evaluated: 2026-03-28. Review status: criteria provided, single submitter. Criteria: ACMG Guidelines, 2015. Collection method: clinical testing. Allele origin: germline.
Comment: The SPATA7 c.1717A>G variant is predicted to result in the amino acid substitution p.Lys573Glu. To our knowledge, this variant has not been reported in the literature. This variant is reported in 0.0071% of alleles in individuals of European (Non-Finnish) descent in gnomAD. At this time, the clinical significance of this variant is uncertain due to the absence of conclusive functional and genetic evidence.

Ambry Genetics
Classification: Uncertain significance for Inborn genetic diseases. Last evaluated: 2025-11-12. Review status: criteria provided, single submitter. Criteria: Ambry Variant Classification Scheme 2023. Collection method: clinical testing. Allele origin: germline.

Blueprint Genetics
Classification: Uncertain significance. Last evaluated: 2024-04-08. Review status: criteria provided, single submitter. Criteria: ACMG Guidelines, 2015. Collection method: clinical testing. Allele origin: germline.

Labcorp Genetics (formerly Invitae), Labcorp
Classification: Uncertain significance for Leber congenital amaurosis 3. Last evaluated: 2022-08-22. Review status: criteria provided, single submitter. Criteria: Invitae Variant Classification Sherloc (09022015). Collection method: clinical testing. Allele origin: germline.
Comment: This variant has not been reported in the literature in individuals affected with SPATA7-related conditions. This variant is present in population databases (rs148392950, gnomAD 0.007%). This sequence change replaces lysine, which is basic and polar, with glutamic acid, which is acidic and polar, at codon 573 of the SPATA7 protein (p.Lys573Glu). ClinVar contains an entry for this variant (Variation ID: 884872). In summary, the available evidence is currently insufficient to determine the role of this variant in disease. Therefore, it has been classified as a Variant of Uncertain Significance. Algorithms developed to predict the effect of missense changes on protein structure and function output the following: SIFT: "Tolerated"; PolyPhen-2: "Benign"; Align-GVGD: "Class C0". The glutamic acid amino acid residue is found in multiple mammalian species, which suggests that this missense change does not adversely affect protein function.

Illumina Laboratory Services, Illumina
Classification: Uncertain significance for Leber congenital amaurosis 3. Last evaluated: 2018-02-09. Review status: criteria provided, single submitter. Criteria: ICSL Variant Classification Criteria 13 December 2019. Collection method: clinical testing. Allele origin: germline.

Illumina Laboratory Services, Illumina
Classification: Uncertain significance for Retinitis pigmentosa. Last evaluated: 2018-02-09. Review status: criteria provided, single submitter. Criteria: ICSL Variant Classification Criteria 13 December 2019. Collection method: clinical testing. Allele origin: germline.

NM_018418.5(SPATA7):c.1717A>G (p.Lys573Glu)

Gene: SPATA7 (spermatogenesis associated 7; plus strand). Cytogenetic location: 14q31.3.
Variant type: single nucleotide variant.
Coding change: c.1717A>G on transcript NM_018418.5 (MANE Select); coding-DNA position 1717, A replaced by G.
Protein change: p.Lys573Glu; replaces lysine 573 with glutamic acid.
Molecular consequence: missense variant.
Genome position (GRCh38, 1-based): chr14:88,438,339, A>G. VCF-style: chr14-88438339-A-G. GRCh37 (hg19) VCF-style: chr14-88904683-A-G.
Other names: c.1621A>G, p.Lys541Glu (NM_001040428.4); short protein forms K573E, K541E.
Identifiers: ClinVar variation 884872 (VCV000884872.15), dbSNP rs148392950, ClinGen allele CA7298857.